The following is an entry in ClinVar:

NM_022437.3(ABCG8):c.1505C>T (p.Pro502Leu)

Gene: ABCG8 (ATP binding cassette subfamily G member 8; plus strand). Cytogenetic location: 2p21.
Variant type: single nucleotide variant.
Coding change: c.1505C>T on transcript NM_022437.3 (MANE Select); coding-DNA position 1505, C replaced by T.
Protein change: p.Pro502Leu; replaces proline 502 with leucine.
Molecular consequence: missense variant.
Genome position (GRCh38, 1-based): chr2:43,875,162, C>T. VCF-style: chr2-43875162-C-T. GRCh37 (hg19) VCF-style: chr2-44102301-C-T.
Other names: c.1502C>T, p.Pro501Leu (NM_001357321.2); short protein forms P501L, P502L.
Identifiers: ClinVar variation 2050126 (VCV002050126.3), dbSNP rs761153163, ClinGen allele CA1637531.

ClinVar aggregate classification (germline): Uncertain significance. Review status: criteria provided, multiple submitters, no conflicts (2 of 4 stars). 3 submissions from 3 submitters: Uncertain significance (3). Last evaluated 2024-09-16.

Conditions:
Sitosterolemia 1. Identifiers: MedGen C2749759, MONDO:0020747, OMIM 210250.

Allele frequency attached by ClinVar (database versions not stated): gnomAD 0.00010; TOPMed 0.00017; ExAC 0.00002.
gnomAD v4.1: 52 of 1,614,100 alleles (0.0032%); highest among the groups gnomAD compares: Admixed American, 0.038%; no homozygotes.

Submissions (3):

Women's Health and Genetics/Laboratory Corporation of America, LabCorp
Classification: Uncertain significance. Last evaluated: 2024-09-16. Review status: criteria provided, single submitter. Criteria: LabCorp Variant Classification Summary - May 2015. Collection method: clinical testing. Allele origin: germline.
Comment: Variant summary: ABCG8 c.1505C>T (p.Pro502Leu) results in a non-conservative amino acid change in the encoded protein sequence. Five of five in-silico tools predict a damaging effect of the variant on protein function. The variant allele was found at a frequency of 3.2e-05 in 249866 control chromosomes. The available data on variant occurrences in the general population are insufficient to allow any conclusion about variant significance. c.1505C>T has been reported in the literature in individuals affected with dyslipidemia (Dron_2020, and Pan-LizcanoInt_2022). These report(s) do not provide unequivocal conclusions about association of the variant with Early Onset Coronary Artery Disease. To our knowledge, no experimental evidence demonstrating an impact on protein function has been reported. The following publications have been ascertained in the context of this evaluation (PMID: 32041611, 36555767). ClinVar contains an entry for this variant (Variation ID: 2050126). Based on the evidence outlined above, the variant was classified as uncertain significance.

Revvity Omics, Revvity
Classification: Uncertain significance for Sitosterolemia 1. Last evaluated: 2024-04-15. Review status: criteria provided, single submitter. Criteria: ACMG Guidelines, 2015. Collection method: clinical testing. Allele origin: germline.

Labcorp Genetics (formerly Invitae), Labcorp
Classification: Uncertain significance. Last evaluated: 2022-07-26. Review status: criteria provided, single submitter. Criteria: Invitae Variant Classification Sherloc (09022015). Collection method: clinical testing. Allele origin: germline.
Comment: This sequence change replaces proline, which is neutral and non-polar, with leucine, which is neutral and non-polar, at codon 502 of the ABCG8 protein (p.Pro502Leu). This variant is present in population databases (rs761153163, gnomAD 0.009%). This missense change has been observed in individual(s) with dyslipidemia (PMID: 32041611). Algorithms developed to predict the effect of missense changes on protein structure and function (SIFT, PolyPhen-2, Align-GVGD) all suggest that this variant is likely to be disruptive. In summary, the available evidence is currently insufficient to determine the role of this variant in disease. Therefore, it has been classified as a Variant of Uncertain Significance.

Literature cited by the submitters: PubMed 32041611 (cited by Women's Health and Genetics/Laboratory Corporation of America, LabCorp and Labcorp Genetics (formerly Invitae), Labcorp); PubMed 36555767 (cited by Women's Health and Genetics/Laboratory Corporation of America, LabCorp).